The following is an entry in ClinVar:

NC_000023.11:g.(?_32501735)_(32501862_?)del

Gene: DMD (dystrophin; minus strand). Cytogenetic location: Xp21.1.
Variant type: Deletion.
Identifiers: ClinVar variation 526155 (VCV000526155.8).

ClinVar aggregate classification (germline): Pathogenic (1 of 4 stars; one submission).

Conditions:
Duchenne muscular dystrophy (DMD). Also called: Duchenne Muscular Dystrophy (DMD); MUSCULAR DYSTROPHY, PSEUDOHYPERTROPHIC PROGRESSIVE, DUCHENNE TYPE. Identifiers: Orphanet 98896, MedGen C0013264, MONDO:0010679, OMIM 310200.

Submission:

Labcorp Genetics (formerly Invitae), Labcorp
Classification: Pathogenic for Duchenne muscular dystrophy. Last evaluated: 2021-06-29. Review status: criteria provided, single submitter. Criteria: Invitae Variant Classification Sherloc (09022015). Collection method: clinical testing. Allele origin: germline.
Comment: For these reasons, this variant has been classified as Pathogenic. Loss-of-function variants in DMD are known to be pathogenic (PMID: 16770791, 25007885). A similar deletion of exons 19 has been reported in several individuals affected with DMD-related muscular dystrophy (PMID: 11381192, 18353051). This variant is an out-of-frame deletion of the genomic region encompassing exon 19 of the DMD gene. This is expected to create a premature translational stop signal and result in an absent or disrupted protein product.

Literature cited by the submitters: PubMed 16770791; PubMed 25007885; PubMed 11381192; PubMed 18353051.